The following is an entry in ClinVar:

ClinVar aggregate classification (germline): Uncertain significance (1 of 4 stars; one submission).

Submission:

GeneDx
Classification: Uncertain significance. Last evaluated: 2019-03-27. Review status: criteria provided, single submitter. Criteria: GeneDx Variant Classification Process June 2021. Collection method: clinical testing. Allele origin: germline. Affected: yes.
Comment: Not observed in large population cohorts (Lek et al., 2016); In silico analysis, which includes protein predictors and evolutionary conservation, supports a deleterious effect; Has not been previously published as pathogenic or benign to our knowledge

NM_000550.3(TYRP1):c.742T>C (p.Tyr248His)

Gene: TYRP1 (tyrosinase related protein 1; plus strand). Cytogenetic location: 9p23.
Variant type: single nucleotide variant.
Coding change: c.742T>C on transcript NM_000550.3 (MANE Select); coding-DNA position 742, T replaced by C.
Protein change: p.Tyr248His; replaces tyrosine 248 with histidine.
Molecular consequence: missense variant.
Genome position (GRCh38, 1-based): chr9:12,698,484, T>C. VCF-style: chr9-12698484-T-C. GRCh37 (hg19) VCF-style: chr9-12698484-T-C.
Other names: short protein forms Y248H.
Identifiers: ClinVar variation 1308202 (VCV001308202.2), dbSNP rs2118233001, ClinGen allele CA372939369.